The following is an entry in ClinVar:

NM_000843.4(GRM6):c.2051G>A (p.Arg684His)

Genes: GRM6 (glutamate metabotropic receptor 6; minus strand), ZNF454 (zinc finger protein 454; plus strand). Cytogenetic location: 5q35.3.
Variant type: single nucleotide variant.
Coding change: c.2051G>A on transcript NM_000843.4 (MANE Select); coding-DNA position 2051, G replaced by A.
Protein change: p.Arg684His; replaces arginine 684 with histidine.
Molecular consequence: missense variant.
Genome position (GRCh38, 1-based): chr5:178,986,203, C>T on the plus strand (G>A on the coding strand, the complement: GRM6 is on the minus strand). VCF-style: chr5-178986203-C-T. GRCh37 (hg19) VCF-style: chr5-178413204-C-T.
Other names: c.2051G>A (NM_000843.3); short protein forms R684H.
Identifiers: ClinVar variation 1034841 (VCV001034841.8), dbSNP rs201728158, ClinGen allele CA3593847.

ClinVar aggregate classification (germline): Uncertain significance. Review status: criteria provided, multiple submitters, no conflicts (2 of 4 stars). 3 submissions from 3 submitters: Uncertain significance (2). 1 of the submissions does not count toward it. Last evaluated 2024-10-18.

Conditions:
GRM6-related disorder. Also called: GRM6-related condition.

Allele frequency attached by ClinVar (database versions not stated): ExAC 0.00005; gnomAD 0.00006 and 0.00007; gnomAD exomes 0.00006 and 0.00009; TOPMed 0.00011.
gnomAD v4.1: 144 of 1,613,944 alleles (0.0089%); highest among the groups gnomAD compares: Middle Eastern, 0.033%; no homozygotes.

Submissions (3):

Blueprint Genetics
Classification: Uncertain significance. Last evaluated: 2024-10-18. Review status: criteria provided, single submitter. Criteria: ACMG Guidelines, 2015. Collection method: clinical testing. Allele origin: germline.

Labcorp Genetics (formerly Invitae), Labcorp
Classification: Uncertain significance. Last evaluated: 2021-12-14. Review status: criteria provided, single submitter. Criteria: Invitae Variant Classification Sherloc (09022015). Collection method: clinical testing. Allele origin: germline.
Comment: This sequence change replaces arginine, which is basic and polar, with histidine, which is basic and polar, at codon 684 of the GRM6 protein (p.Arg684His). This variant is present in population databases (rs201728158, gnomAD 0.01%). This variant has not been reported in the literature in individuals affected with GRM6-related conditions. ClinVar contains an entry for this variant (Variation ID: 1034841). Advanced modeling of protein sequence and biophysical properties (such as structural, functional, and spatial information, amino acid conservation, physicochemical variation, residue mobility, and thermodynamic stability) performed at Invitae indicates that this missense variant is not expected to disrupt GRM6 protein function. In summary, the available evidence is currently insufficient to determine the role of this variant in disease. Therefore, it has been classified as a Variant of Uncertain Significance.

PreventionGenetics, part of Exact Sciences
Classification: Uncertain significance for GRM6-related condition. Last evaluated: 2024-05-20. Review status: no assertion criteria provided. Collection method: clinical testing. Allele origin: germline. Not counted in ClinVar's aggregate classification.
Comment: The GRM6 c.2051G>A variant is predicted to result in the amino acid substitution p.Arg684His. To our knowledge, this variant has not been reported in the literature. This variant is reported in 0.010% of alleles in individuals of European (Non-Finnish) descent in gnomAD. At this time, the clinical significance of this variant is uncertain due to the absence of conclusive functional and genetic evidence.